The following is an entry in ClinVar:

ClinVar aggregate classification (germline): Uncertain significance (1 of 4 stars; one submission).

Conditions:
RYR1-related disorder. Also called: RYR1-related condition; RYR1-related disorders. Identifiers: MedGen CN239331.

Submission:

Labcorp Genetics (formerly Invitae), Labcorp
Classification: Uncertain significance for RYR1-related disorder. Last evaluated: 2024-06-14. Review status: criteria provided, single submitter. Criteria: Invitae Variant Classification Sherloc (09022015). Collection method: clinical testing. Allele origin: germline.
Comment: This sequence change replaces lysine, which is basic and polar, with asparagine, which is neutral and polar, at codon 2988 of the RYR1 protein (p.Lys2988Asn). This variant is not present in population databases (gnomAD no frequency). This variant has not been reported in the literature in individuals affected with RYR1-related conditions. Advanced modeling of protein sequence and biophysical properties (such as structural, functional, and spatial information, amino acid conservation, physicochemical variation, residue mobility, and thermodynamic stability) performed at Invitae indicates that this missense variant is not expected to disrupt RYR1 protein function with a negative predictive value of 95%. In summary, the available evidence is currently insufficient to determine the role of this variant in disease. Therefore, it has been classified as a Variant of Uncertain Significance.

NM_000540.3(RYR1):c.8964G>C (p.Lys2988Asn)

Gene: RYR1 (ryanodine receptor 1; plus strand). Cytogenetic location: 19q13.2.
Variant type: single nucleotide variant.
Coding change: c.8964G>C on transcript NM_000540.3 (MANE Select); coding-DNA position 8964, G replaced by C.
Protein change: p.Lys2988Asn; replaces lysine 2988 with asparagine.
Molecular consequence: missense variant.
Genome position (GRCh38, 1-based): chr19:38,510,529, G>C. VCF-style: chr19-38510529-G-C. GRCh37 (hg19) VCF-style: chr19-39001169-G-C.
Other names: c.8964G>C, p.Lys2988Asn (NM_001042723.2); short protein forms K2988N.
Identifiers: ClinVar variation 3636238 (VCV003636238.2).